The following is an entry in ClinVar:

ClinVar aggregate classification (germline): Conflicting classifications of pathogenicity. Review status: criteria provided, conflicting classifications (1 of 4 stars). 3 submissions from 3 submitters: Uncertain significance (2); Likely benign (1). Last evaluated 2025-02-06.

Conditions:
Hereditary cancer-predisposing syndrome. Also called: Tumor predisposition; Hereditary neoplastic syndrome; Neoplastic Syndromes, Hereditary; Hereditary Cancer Syndrome. Identifiers: Orphanet 140162, MedGen C0027672, MeSH D009386, MONDO:0015356.
Basal cell carcinoma, susceptibility to, 1. Also called: BCC1. Identifiers: MedGen C2751544, MONDO:0011556, OMIM 605462.
Gorlin syndrome. Also called: Nevoid Basal Cell Carcinoma Syndrome; Basal cell nevus syndrome. Identifiers: Orphanet 377, MedGen C0004779, MONDO:0007187.

Allele frequency attached by ClinVar (database versions not stated): TOPMed below 0.00001.

Submissions (3):

Labcorp Genetics (formerly Invitae), Labcorp
Classification: Uncertain significance for Gorlin syndrome. Last evaluated: 2025-02-06. Review status: criteria provided, single submitter. Criteria: Invitae Variant Classification Sherloc (09022015). Collection method: clinical testing. Allele origin: germline.
Comment: This sequence change replaces asparagine, which is neutral and polar, with lysine, which is basic and polar, at codon 1447 of the PTCH1 protein (p.Asn1447Lys). This variant is not present in population databases (gnomAD no frequency). This variant has not been reported in the literature in individuals affected with PTCH1-related conditions. ClinVar contains an entry for this variant (Variation ID: 2678088). Invitae Evidence Modeling of protein sequence and biophysical properties (such as structural, functional, and spatial information, amino acid conservation, physicochemical variation, residue mobility, and thermodynamic stability) indicates that this missense variant is not expected to disrupt PTCH1 protein function with a negative predictive value of 95%. In summary, the available evidence is currently insufficient to determine the role of this variant in disease. Therefore, it has been classified as a Variant of Uncertain Significance.

Ambry Genetics
Classification: Likely benign for Hereditary cancer-predisposing syndrome. Last evaluated: 2023-11-21. Review status: criteria provided, single submitter. Criteria: Ambry Variant Classification Scheme 2023. Collection method: clinical testing. Allele origin: germline.

Baylor Genetics
Classification: Uncertain significance for Basal cell carcinoma, susceptibility to, 1. Last evaluated: 2023-05-31. Review status: criteria provided, single submitter. Criteria: ACMG Guidelines, 2015. Collection method: clinical testing. Allele origin: unknown.

NM_000264.5(PTCH1):c.4341C>A (p.Asn1447Lys)

Gene: PTCH1 (patched 1; minus strand). Cytogenetic location: 9q22.32.
Variant type: single nucleotide variant.
Coding change: c.4341C>A on transcript NM_000264.5 (MANE Select); coding-DNA position 4341, C replaced by A.
Protein change: p.Asn1447Lys; replaces asparagine 1447 with lysine.
Molecular consequence: missense variant. On other transcripts: non-coding transcript variant (1).
Genome position (GRCh38, 1-based): chr9:95,446,915, G>T on the plus strand (C>A on the coding strand, the complement: PTCH1 is on the minus strand). VCF-style: chr9-95446915-G-T. GRCh37 (hg19) VCF-style: chr9-98209197-G-T.
Other names: c.4185C>A, p.Asn1395Lys (NM_001354918.2); c.3888C>A, p.Asn1296Lys (NM_001083606.3, NM_001083607.3, NM_001083604.3 and 1 more transcripts); c.4143C>A, p.Asn1381Lys (NM_001083602.3); c.4338C>A, p.Asn1446Lys (NM_001083603.3); short protein forms N1296K, N1381K, N1395K, N1446K, N1447K.
Identifiers: ClinVar variation 2678088 (VCV002678088.3), dbSNP rs1837949550, ClinGen allele CA374109753.